The following is an entry in ClinVar:

NM_017636.4(TRPM4):c.2020-8C>T

Gene: TRPM4 (transient receptor potential cation channel subfamily M member 4; plus strand). Cytogenetic location: 19q13.33.
Variant type: single nucleotide variant.
Coding change: c.2020-8C>T on transcript NM_017636.4 (MANE Select); 8 bases into the intron before coding-DNA position 2020, C replaced by T.
Molecular consequence: intron variant.
Genome position (GRCh38, 1-based): chr19:49,190,200, C>T. VCF-style: chr19-49190200-C-T. GRCh37 (hg19) VCF-style: chr19-49693457-C-T.
Other names: c.2020-8C>T (NM_001195227.2); c.412-8C>T (NM_001321282.2); c.1675-8C>T (NM_001321281.2); c.1498-8C>T (NM_001321283.2); c.958-8C>T (NM_001321285.2).
Identifiers: ClinVar variation 381217 (VCV000381217.11), dbSNP rs200820404, ClinGen allele CA9569416.

ClinVar aggregate classification (germline): Likely benign. Review status: criteria provided, multiple submitters, no conflicts (2 of 4 stars). 4 submissions from 4 submitters: Likely benign (4). Last evaluated 2025-09-27.

Conditions:
Progressive familial heart block type IB (PFHB1B). Identifiers: Orphanet 871, MedGen C1970298, MONDO:0011474, OMIM 604559.

Allele frequency attached by ClinVar (database versions not stated): gnomAD exomes 0.00001 and 0.00003; gnomAD 0.00006 and 0.00004; 1000 Genomes Project 30x 0.00047; 1000 Genomes Project 0.00060; TOPMed 0.00003; ExAC 0.00006.
gnomAD v4.1: 34 of 1,612,360 alleles (0.0021%); highest among the groups gnomAD compares: African/African-American, 0.025%; no homozygotes.

Submissions (4):

Labcorp Genetics (formerly Invitae), Labcorp
Classification: Likely benign for Progressive familial heart block type IB. Last evaluated: 2025-09-27. Review status: criteria provided, single submitter. Criteria: Invitae Variant Classification Sherloc (09022015). Collection method: clinical testing. Allele origin: germline.

Genomic Medicine Center of Excellence, King Faisal Specialist Hospital and Research Centre
Classification: Likely benign. Last evaluated: 2025-08-18. Review status: criteria provided, single submitter. Criteria: ACMG Guidelines, 2015. Collection method: clinical testing. Allele origin: germline.

Blueprint Genetics
Classification: Likely benign. Last evaluated: 2024-02-05. Review status: criteria provided, single submitter. Criteria: ACMG Guidelines, 2015. Collection method: clinical testing. Allele origin: germline.

GeneDx
Classification: Likely benign. Last evaluated: 2016-10-14. Review status: criteria provided, single submitter. Criteria: GeneDx Variant Classification (06012015). Collection method: clinical testing. Allele origin: germline. Affected: yes.
Comment: This variant is considered likely benign or benign based on one or more of the following criteria: it is a conservative change, it occurs at a poorly conserved position in the protein, it is predicted to be benign by multiple in silico algorithms, and/or has population frequency not consistent with disease.